The following is an entry in ClinVar:

ClinVar aggregate classification (germline): Likely pathogenic (1 of 4 stars; one submission).

Conditions:
Neuronal ceroid lipofuscinosis. Also called: Neuronal Ceroid Lipofuscinoses. Identifiers: Orphanet 216, Orphanet 79263, MedGen C0027877, MONDO:0016295. Disease mechanism: loss of function.

Submission:

Women's Health and Genetics/Laboratory Corporation of America, LabCorp
Classification: Likely pathogenic for Neuronal ceroid lipofuscinosis. Last evaluated: 2022-08-16. Review status: criteria provided, single submitter. Criteria: LabCorp Variant Classification Summary - May 2015. Collection method: clinical testing. Allele origin: germline.
Comment: Variant summary: The variant identified by MLPA or other technology involves the deletion of exons 10-16, which includes the last exon in the CLN3 gene, and might extend downstream of the assayed region of the gene. A presumed nomenclature of c.(677+1_678-1)_(*238_?)del has been designated for the purposes of this classification. Although exact breakpoints of this deletion are not known, it is not expected to cause nonsense mediated decay (NMD), but is predicted to cause a large truncation of the encoded protein (removing amino acids 226-438), and likely replacing it with an incorrect sequence. The variant was absent in 21694 control chromosomes (gnomAD database, structural variants dataset). A large deletion variant corresponding to exon 10-16 deletion has been reported in an affected individual (Kousi_2012), however, no phenotype and genotype details were provided. To our knowledge no experimental evidence demonstrating its impact on protein function have been reported. One clinical diagnostic laboratory has submitted clinical-significance assessments for this variant to ClinVar after 2014, and classified the variant as pathogenic. Based on the evidence outlined above, the variant was classified as likely pathogenic.

Literature cited by the submitters: PubMed 21990111.

NC_000016.9:g.(?_28488599)_(28495440_28497667)del

Gene: CLN3 (CLN3 lysosomal/endosomal transmembrane protein, battenin; minus strand). Cytogenetic location: 16p11.2.
Variant type: Deletion.
Identifiers: ClinVar variation 1705114 (VCV001705114.1).